The following is an entry in ClinVar:

NM_005359.6(SMAD4):c.299G>A (p.Arg100Lys)

Gene: SMAD4 (SMAD family member 4; plus strand). Cytogenetic location: 18q21.2.
Variant type: single nucleotide variant.
Coding change: c.299G>A on transcript NM_005359.6 (MANE Select); coding-DNA position 299, G replaced by A.
Protein change: p.Arg100Lys; replaces arginine 100 with lysine.
Molecular consequence: missense variant. On other transcripts: non-coding transcript variant (2).
Genome position (GRCh38, 1-based): chr18:51,048,735, G>A. VCF-style: chr18-51048735-G-A. GRCh37 (hg19) VCF-style: chr18-48575105-G-A.
Other names: c.299G>A, p.Arg100Lys (NM_001407041.1, NM_001407042.1, NM_001407043.1); short protein forms R100K.
Identifiers: ClinVar variation 3238409 (VCV003238409.2), dbSNP rs2144405397.

ClinVar aggregate classification (germline): Uncertain significance (1 of 4 stars; one submission).

Conditions:
Familial thoracic aortic aneurysm and aortic dissection (TAAD). Also called: Thoracic aortic aneurysms and dissections. Identifiers: Orphanet 91387, MedGen C4707243, MONDO:0019625.
Hereditary cancer-predisposing syndrome. Also called: Neoplastic Syndromes, Hereditary; Tumor predisposition; Hereditary Cancer Syndrome; Hereditary neoplastic syndrome. Identifiers: Orphanet 140162, MedGen C0027672, MeSH D009386, MONDO:0015356.

Submission:

Ambry Genetics
Classification: Uncertain significance for Hereditary cancer-predisposing syndrome; Familial thoracic aortic aneurysm and aortic dissection. Last evaluated: 2026-07-30. Review status: criteria provided, single submitter. Criteria: Ambry Variant Classification Scheme 2023. Collection method: clinical testing. Allele origin: germline.
Comment: The p.R100K variant (also known as c.299G>A), located in coding exon 2 of the SMAD4 gene, results from a G to A substitution at nucleotide position 299. The arginine at codon 100 is replaced by lysine, an amino acid with highly similar properties. This amino acid position is highly conserved in available vertebrate species. In addition, this alteration is predicted to be deleterious by in silico analysis. Based on the available evidence, the clinical significance of this variant remains unclear.